The following is an entry in ClinVar:

ClinVar aggregate classification (germline): Likely benign. Review status: criteria provided, multiple submitters, no conflicts (2 of 4 stars). 4 submissions from 4 submitters: Likely benign (3). 1 of the submissions does not count toward it. Last evaluated 2026-01-14.

Conditions:
PHF21A-related disorder. Also called: PHF21A-related condition.
Inborn genetic diseases. Identifiers: MedGen C0950123, MeSH D030342.

Allele frequency attached by ClinVar (database versions not stated): 1000 Genomes Project 0.00060; 1000 Genomes Project 30x 0.00062; TOPMed 0.00143; gnomAD exomes 0.00148 and 0.00221; gnomAD 0.00155 and 0.00157; ESP Exome Variant Server 0.00169; ExAC 0.00175.
gnomAD v4.1: 3,428 of 1,613,616 alleles (0.21%); highest among the groups gnomAD compares: Non-Finnish European, 0.27%; 6 homozygotes.

Submissions (4):

Labcorp Genetics (formerly Invitae), Labcorp
Classification: Likely benign. Last evaluated: 2026-01-14. Review status: criteria provided, single submitter. Criteria: Invitae Variant Classification Sherloc (09022015). Collection method: clinical testing. Allele origin: germline.

CeGaT Center for Human Genetics Tuebingen
Classification: Likely benign. Last evaluated: 2025-07-01. Review status: criteria provided, single submitter. Criteria: CeGaT Center For Human Genetics Tuebingen Variant Classification Criteria Version 2. Collection method: clinical testing. Allele origin: germline. Affected: yes. Observed: 5 variant alleles.
Comment: PHF21A: BS1

Ambry Genetics
Classification: Likely benign for Inborn genetic diseases. Last evaluated: 2021-10-19. Review status: criteria provided, single submitter. Criteria: Ambry Variant Classification Scheme 2023. Collection method: clinical testing. Allele origin: germline.

PreventionGenetics, part of Exact Sciences
Classification: Likely benign for PHF21A-related condition. Last evaluated: 2020-10-08. Review status: no assertion criteria provided. Collection method: clinical testing. Allele origin: germline. Not counted in ClinVar's aggregate classification.
Comment: This variant is classified as likely benign based on ACMG/AMP sequence variant interpretation guidelines (Richards et al. 2015 PMID: 25741868, with internal and published modifications).

NM_001352027.3(PHF21A):c.1813A>G (p.Ile605Val)

Gene: PHF21A (PHD finger protein 21A; minus strand). Cytogenetic location: 11p11.2.
Variant type: single nucleotide variant.
Coding change: c.1813A>G on transcript NM_001352027.3 (MANE Select); coding-DNA position 1813, A replaced by G.
Protein change: p.Ile605Val; replaces isoleucine 605 with valine.
Molecular consequence: missense variant. On other transcripts: non-coding transcript variant (2).
Genome position (GRCh38, 1-based): chr11:45,934,201, T>C on the plus strand (A>G on the coding strand, the complement: PHF21A is on the minus strand). VCF-style: chr11-45934201-T-C. GRCh37 (hg19) VCF-style: chr11-45955752-T-C.
Other names: c.1672A>G (NM_016621.3); c.1810A>G, p.Ile604Val (NM_001101802.3); c.1813A>G, p.Ile605Val (NM_001352025.3, NM_001352026.3); c.1672A>G, p.Ile558Val (NM_001352028.1, NM_001352029.1, NM_016621.5); c.1669A>G, p.Ile557Val (NM_001352030.3, NM_001352031.3, NM_001352032.3); short protein forms I605V, I557V, I558V, I604V.
Identifiers: ClinVar variation 780143 (VCV000780143.35), dbSNP rs138242314, ClinGen allele CA5960953.